The following is an entry in ClinVar:

NM_001267550.2(TTN):c.103113T>C (p.Asn34371=)

Genes: TTN (titin; minus strand), TTN-AS1 (TTN antisense RNA 1; plus strand). Cytogenetic location: 2q31.2.
Variant type: single nucleotide variant.
Coding change: c.103113T>C on transcript NM_001267550.2 (MANE Select); coding-DNA position 103113, T replaced by C.
Protein change: p.Asn34371=; no amino-acid change (asparagine 34371 retained).
Molecular consequence: synonymous variant.
Genome position (GRCh38, 1-based): chr2:178,533,502, A>G on the plus strand (T>C on the coding strand, the complement: TTN is on the minus strand). VCF-style: chr2-178533502-A-G. GRCh37 (hg19) VCF-style: chr2-179398229-A-G.
Other names: c.98190T>C, p.Asn32730= (NM_001256850.1); c.75918T>C, p.Asn25306= (NM_003319.4); c.95409T>C, p.Asn31803= (NM_133378.4); c.76293T>C, p.Asn25431= (NM_133432.3); c.76494T>C, p.Asn25498= (NM_133437.4).
Identifiers: ClinVar variation 283632 (VCV000283632.16), dbSNP rs886042668, ClinGen allele CA10604539.

ClinVar aggregate classification (germline): Conflicting classifications of pathogenicity. Review status: criteria provided, conflicting classifications (1 of 4 stars). 4 submissions from 4 submitters: Uncertain significance (1); Likely benign (3). Last evaluated 2026-06-01.

Conditions:
Cardiovascular phenotype. Identifiers: MedGen CN230736.
Dilated cardiomyopathy 1G (CMD1G). Identifiers: Orphanet 154, MedGen C1858763, MONDO:0011400, OMIM 604145.
Autosomal recessive limb-girdle muscular dystrophy type 2J (LGMDR10). Also called: MUSCULAR DYSTROPHY, LIMB-GIRDLE, AUTOSOMAL RECESSIVE 10; Limb-girdle muscular dystrophy, type 2J. Identifiers: Orphanet 140922, MedGen C1837342, MONDO:0012127, OMIM 608807.

Allele frequency attached by ClinVar (database versions not stated): gnomAD exomes below 0.00001.
gnomAD v4.1: 1 of 1,613,424 alleles (0.000062%); highest among the groups gnomAD compares: Non-Finnish European, 0.000085%; no homozygotes.

Submissions (4):

CeGaT Center for Human Genetics Tuebingen
Classification: Likely benign. Last evaluated: 2026-06-01. Review status: criteria provided, single submitter. Criteria: CeGaT Center For Human Genetics Tuebingen Variant Classification Criteria Version 2. Collection method: clinical testing. Allele origin: germline. Affected: yes. Observed: 1 variant allele.
Comment: TTN: BP4, BP7

Labcorp Genetics (formerly Invitae), Labcorp
Classification: Likely benign for Dilated cardiomyopathy 1G; Autosomal recessive limb-girdle muscular dystrophy type 2J. Last evaluated: 2025-07-29. Review status: criteria provided, single submitter. Criteria: Invitae Variant Classification Sherloc (09022015). Collection method: clinical testing. Allele origin: germline.

Ambry Genetics
Classification: Likely benign for Cardiovascular phenotype. Last evaluated: 2024-10-24. Review status: criteria provided, single submitter. Criteria: Ambry Variant Classification Scheme 2023. Collection method: clinical testing. Allele origin: germline.

Eurofins Ntd Llc (ga)
Classification: Uncertain significance. Last evaluated: 2015-10-16. Review status: criteria provided, single submitter. Criteria: EGL Classification Definitions 2015. Collection method: clinical testing. Allele origin: germline. Observed: 2 variant alleles, 2 heterozygotes.